The following is an entry in ClinVar:

NM_024921.4(POF1B):c.1402A>C (p.Arg468=)

Gene: POF1B (POF1B actin binding protein; minus strand). Cytogenetic location: Xq21.1.
Variant type: single nucleotide variant.
Coding change: c.1402A>C on transcript NM_024921.4 (MANE Select); coding-DNA position 1402, A replaced by C.
Protein change: p.Arg468=; no amino-acid change (arginine 468 retained).
Molecular consequence: synonymous variant.
Genome position (GRCh38, 1-based): chrX:85,305,826, T>G on the plus strand (A>C on the coding strand, the complement: POF1B is on the minus strand). VCF-style: chrX-85305826-T-G. GRCh37 (hg19) VCF-style: chrX-84560832-T-G.
Other names: c.1402A>C, p.Arg468= (NM_001307940.2).
Identifiers: ClinVar variation 914878 (VCV000914878.11), dbSNP rs1932559748, ClinGen allele CA517517100.

ClinVar aggregate classification (germline): Uncertain significance. Review status: criteria provided, multiple submitters, no conflicts (2 of 4 stars). 2 submissions from 2 submitters: Uncertain significance (2). Last evaluated 2025-09-01.

Conditions:
Premature ovarian failure 2B. Identifiers: MedGen C1845105, MONDO:0010373, OMIM 300604.

gnomAD v4.1: 2 of 1,209,734 alleles (0.00017%); highest among the groups gnomAD compares: Non-Finnish European, 0.00022%; no homozygotes.

Submissions (2):

CeGaT Center for Human Genetics Tuebingen
Classification: Uncertain significance. Last evaluated: 2025-09-01. Review status: criteria provided, single submitter. Criteria: CeGaT Center For Human Genetics Tuebingen Variant Classification Criteria Version 2. Collection method: clinical testing. Allele origin: germline. Affected: yes. Observed: 1 variant allele.
Comment: POF1B: PM2, BP4

Illumina Laboratory Services, Illumina
Classification: Uncertain significance for Premature ovarian failure 2B. Last evaluated: 2017-04-27. Review status: criteria provided, single submitter. Criteria: ICSL Variant Classification Criteria 13 December 2019. Collection method: clinical testing. Allele origin: germline.